The following is an entry in ClinVar:

ClinVar aggregate classification (germline): Uncertain significance. Review status: criteria provided, multiple submitters, no conflicts (2 of 4 stars). 3 submissions from 3 submitters: Uncertain significance (3). Last evaluated 2025-11-05.

Conditions:
DYNC2I2-related disorder. Also called: DYNC2I2-related condition.
Inborn genetic diseases. Identifiers: MedGen C0950123, MeSH D030342.
Short-rib thoracic dysplasia 11 with or without polydactyly (SRTD11). Also called: SHORT-RIB THORACIC DYSPLASIA 11 WITHOUT POLYDACTYLY. Identifiers: Orphanet 474, Orphanet 93271, MedGen C3810200, MONDO:0014287, OMIM 615633.

Allele frequency attached by ClinVar (database versions not stated): gnomAD exomes 0.00001; ExAC 0.00004; gnomAD 0.00005; TOPMed 0.00005; ESP Exome Variant Server 0.00008.
gnomAD v4.1: 21 of 1,591,026 alleles (0.0013%); highest among the groups gnomAD compares: African/African-American, 0.012%; no homozygotes.

Submissions (3):

PreventionGenetics, part of Exact Sciences
Classification: Uncertain significance for DYNC2I2-related condition. Last evaluated: 2025-11-05. Review status: criteria provided, single submitter. Criteria: ACMG Guidelines, 2015. Collection method: clinical testing. Allele origin: germline.
Comment: The DYNC2I2 c.200C>T variant is predicted to result in the amino acid substitution p.Thr67Met. To our knowledge, this variant has not been reported in the literature. This variant is reported in 0.021% of alleles in individuals of African descent in gnomAD. At this time, the clinical significance of this variant is uncertain due to the absence of conclusive functional and genetic evidence.

Ambry Genetics
Classification: Uncertain significance for Inborn genetic diseases. Last evaluated: 2025-07-02. Review status: criteria provided, single submitter. Criteria: Ambry Variant Classification Scheme 2023. Collection method: clinical testing. Allele origin: germline.

Labcorp Genetics (formerly Invitae), Labcorp
Classification: Uncertain significance for Short-rib thoracic dysplasia 11 with or without polydactyly. Last evaluated: 2025-01-06. Review status: criteria provided, single submitter. Criteria: Invitae Variant Classification Sherloc (09022015). Collection method: clinical testing. Allele origin: germline.
Comment: This sequence change replaces threonine, which is neutral and polar, with methionine, which is neutral and non-polar, at codon 67 of the WDR34 protein (p.Thr67Met). This variant is present in population databases (rs372063645, gnomAD 0.02%). This variant has not been reported in the literature in individuals affected with WDR34-related conditions. ClinVar contains an entry for this variant (Variation ID: 2053092). An algorithm developed to predict the effect of missense changes on protein structure and function (PolyPhen-2) suggests that this variant is likely to be disruptive. In summary, the available evidence is currently insufficient to determine the role of this variant in disease. Therefore, it has been classified as a Variant of Uncertain Significance.

NM_052844.4(DYNC2I2):c.200C>T (p.Thr67Met)

Gene: DYNC2I2 (dynein 2 intermediate chain 2; minus strand). Cytogenetic location: 9q34.11.
Variant type: single nucleotide variant.
Coding change: c.200C>T on transcript NM_052844.4 (MANE Select); coding-DNA position 200, C replaced by T.
Protein change: p.Thr67Met; replaces threonine 67 with methionine.
Molecular consequence: missense variant.
Genome position (GRCh38, 1-based): chr9:128,640,926, G>A on the plus strand (C>T on the coding strand, the complement: DYNC2I2 is on the minus strand). VCF-style: chr9-128640926-G-A. GRCh37 (hg19) VCF-style: chr9-131403205-G-A.
Other names: c.200C>T (NM_052844.3); short protein forms T67M.
Identifiers: ClinVar variation 2053092 (VCV002053092.5), dbSNP rs372063645, ClinGen allele CA5266704.